The following is an entry in ClinVar:

NM_000222.3(KIT):c.2790G>C (p.Glu930Asp)

Gene: KIT (KIT proto-oncogene, receptor tyrosine kinase; plus strand). Cytogenetic location: 4q12.
Variant type: single nucleotide variant.
Coding change: c.2790G>C on transcript NM_000222.3 (MANE Select); coding-DNA position 2790, G replaced by C.
Protein change: p.Glu930Asp; replaces glutamic acid 930 with aspartic acid.
Molecular consequence: missense variant.
Genome position (GRCh38, 1-based): chr4:54,737,268, G>C. VCF-style: chr4-54737268-G-C. GRCh37 (hg19) VCF-style: chr4-55603434-G-C.
Other names: c.2778G>C, p.Glu926Asp (NM_001093772.2, NM_001385292.1); c.2793G>C, p.Glu931Asp (NM_001385284.1); c.2787G>C, p.Glu929Asp (NM_001385285.1); c.2775G>C, p.Glu925Asp (NM_001385286.1); c.2781G>C, p.Glu927Asp (NM_001385288.1); c.2790G>C, p.Glu930Asp (NM_001385290.1); short protein forms E930D, E926D, E925D, E927D, E929D, E931D.
Identifiers: ClinVar variation 570928 (VCV000570928.11), dbSNP rs759076549, ClinGen allele CA2923849.

ClinVar aggregate classification (germline): Conflicting classifications of pathogenicity. Review status: criteria provided, conflicting classifications (1 of 4 stars). 2 submissions from 2 submitters: Uncertain significance (1); Likely benign (1). Last evaluated 2024-06-30.

Conditions:
Hereditary cancer-predisposing syndrome. Also called: Hereditary neoplastic syndrome; Neoplastic Syndromes, Hereditary; Hereditary Cancer Syndrome; Tumor predisposition. Identifiers: Orphanet 140162, MedGen C0027672, MeSH D009386, MONDO:0015356.
Gastrointestinal stromal tumor. Also called: Gastrointestinal stromal tumor, somatic; Gastrointestinal stroma tumor. Identifiers: Orphanet 44890, MedGen C0238198, MeSH D046152, MONDO:0011719, OMIM 606764, HP:0100723.

Allele frequency attached by ClinVar (database versions not stated): gnomAD exomes below 0.00001; ExAC 0.00001.
gnomAD v4.1: 4 of 1,610,592 alleles (0.00025%); highest among the groups gnomAD compares: South Asian, 0.0011%; no homozygotes.

Submissions (2):

Labcorp Genetics (formerly Invitae), Labcorp
Classification: Uncertain significance for Gastrointestinal stromal tumor. Last evaluated: 2024-06-30. Review status: criteria provided, single submitter. Criteria: Invitae Variant Classification Sherloc (09022015). Collection method: clinical testing. Allele origin: germline.
Comment: This sequence change replaces glutamic acid, which is acidic and polar, with aspartic acid, which is acidic and polar, at codon 930 of the KIT protein (p.Glu930Asp). This variant is present in population databases (rs759076549, gnomAD 0.003%). This variant has not been reported in the literature in individuals affected with KIT-related conditions. ClinVar contains an entry for this variant (Variation ID: 570928). Algorithms developed to predict the effect of missense changes on protein structure and function output the following: SIFT: "Not Available"; PolyPhen-2: "Benign"; Align-GVGD: "Not Available". The aspartic acid amino acid residue is found in multiple mammalian species, which suggests that this missense change does not adversely affect protein function. In summary, the available evidence is currently insufficient to determine the role of this variant in disease. Therefore, it has been classified as a Variant of Uncertain Significance.

Ambry Genetics
Classification: Likely benign for Hereditary cancer-predisposing syndrome. Last evaluated: 2022-04-08. Review status: criteria provided, single submitter. Criteria: Ambry Variant Classification Scheme 2023. Collection method: clinical testing. Allele origin: germline.